The following is an entry in ClinVar:

NM_001270508.2(TNFAIP3):c.1742G>T (p.Arg581Ile)

Gene: TNFAIP3 (TNF alpha induced protein 3; plus strand). Cytogenetic location: 6q23.3.
Variant type: single nucleotide variant.
Coding change: c.1742G>T on transcript NM_001270508.2 (MANE Select); coding-DNA position 1742, G replaced by T.
Protein change: p.Arg581Ile; replaces arginine 581 with isoleucine.
Molecular consequence: missense variant.
Genome position (GRCh38, 1-based): chr6:137,879,187, G>T. VCF-style: chr6-137879187-G-T. GRCh37 (hg19) VCF-style: chr6-138200324-G-T.
Other names: c.1742G>T, p.Arg581Ile (NM_001270507.2, NM_006290.4); c.1742G>T (NM_006290.2); short protein forms R581I.
Identifiers: ClinVar variation 1447636 (VCV001447636.7), dbSNP rs1481327273, ClinGen allele CA365793381.

ClinVar aggregate classification (germline): Uncertain significance. Review status: criteria provided, multiple submitters, no conflicts (2 of 4 stars). 2 submissions from 2 submitters: Uncertain significance (2). Last evaluated 2024-10-30.

Conditions:
Inborn genetic diseases. Identifiers: MedGen C0950123, MeSH D030342.

Allele frequency attached by ClinVar (database versions not stated): gnomAD 0.00001.

Submissions (2):

Labcorp Genetics (formerly Invitae), Labcorp
Classification: Uncertain significance. Last evaluated: 2024-10-30. Review status: criteria provided, single submitter. Criteria: Invitae Variant Classification Sherloc (09022015). Collection method: clinical testing. Allele origin: germline.
Comment: This sequence change replaces arginine, which is basic and polar, with isoleucine, which is neutral and non-polar, at codon 581 of the TNFAIP3 protein (p.Arg581Ile). This variant is present in population databases (no rsID available, gnomAD 0.06%). This variant has not been reported in the literature in individuals affected with TNFAIP3-related conditions. ClinVar contains an entry for this variant (Variation ID: 1447636). Invitae Evidence Modeling of protein sequence and biophysical properties (such as structural, functional, and spatial information, amino acid conservation, physicochemical variation, residue mobility, and thermodynamic stability) indicates that this missense variant is not expected to disrupt TNFAIP3 protein function with a negative predictive value of 80%. In summary, the available evidence is currently insufficient to determine the role of this variant in disease. Therefore, it has been classified as a Variant of Uncertain Significance.

Ambry Genetics
Classification: Uncertain significance for Inborn genetic diseases. Last evaluated: 2023-12-18. Review status: criteria provided, single submitter. Criteria: Ambry Variant Classification Scheme 2023. Collection method: clinical testing. Allele origin: germline.